The following is an entry in ClinVar:

ClinVar aggregate classification (germline): Uncertain significance (1 of 4 stars; one submission).

Conditions:
Inborn genetic diseases. Identifiers: MedGen C0950123, MeSH D030342.

Allele frequency attached by ClinVar (database versions not stated): TOPMed below 0.00001; gnomAD exomes 0.00001.
gnomAD v4.1: 11 of 1,613,748 alleles (0.00068%); highest among the groups gnomAD compares: Non-Finnish European, 0.00093%; no homozygotes.

Submission:

Ambry Genetics
Classification: Uncertain significance for Inborn genetic diseases. Last evaluated: 2020-11-24. Review status: criteria provided, single submitter. Criteria: Ambry Variant Classification Scheme 2023. Collection method: clinical testing. Allele origin: germline.
Comment: The c.4828G>A (p.G1610S) alteration is located in exon 33 (coding exon 32) of the TRIP12 gene. This alteration results from a G to A substitution at nucleotide position 4828, causing the glycine (G) at amino acid position 1610 to be replaced by a serine (S). The p.G1610S alteration is predicted to be tolerated by in silico analysis. Based on insufficient or conflicting evidence, the clinical significance of this alteration remains unclear.

NM_001348323.3(TRIP12):c.5053G>A (p.Gly1685Ser)

Gene: TRIP12 (thyroid hormone receptor interactor 12; minus strand). Cytogenetic location: 2q36.3.
Variant type: single nucleotide variant.
Coding change: c.5053G>A on transcript NM_001348323.3 (MANE Select); coding-DNA position 5053, G replaced by A.
Protein change: p.Gly1685Ser; replaces glycine 1685 with serine.
Molecular consequence: missense variant.
Genome position (GRCh38, 1-based): chr2:229,785,798, C>T on the plus strand (G>A on the coding strand, the complement: TRIP12 is on the minus strand). VCF-style: chr2-229785798-C-T. GRCh37 (hg19) VCF-style: chr2-230650514-C-T.
Other names: c.4972G>A, p.Gly1658Ser (NM_001284214.2, NM_001348315.2); c.4927G>A, p.Gly1643Ser (NM_001284215.2, NM_001348316.2); c.4018G>A, p.Gly1340Ser (NM_001284216.2); c.4912G>A, p.Gly1638Ser (NM_001348317.1, NM_001348318.2); c.5038G>A, p.Gly1680Ser (NM_001348319.1, NM_001348320.2); c.5041G>A, p.Gly1681Ser (NM_001348321.1); c.5053G>A, p.Gly1685Ser (NM_001348322.1, NM_001348324.2, NM_001348325.2 and 2 more transcripts); c.5056G>A, p.Gly1686Ser (NM_001348328.1, NM_001348329.2, NM_001348330.2); and 4 more; short protein forms G1340S, G1658S, G1681S, G1610S, G1611S, G1643S, G1686S, G1651S.
Identifiers: ClinVar variation 2222500 (VCV002222500.2), dbSNP rs1445260313, ClinGen allele CA350890685.